The following is an entry in ClinVar:

NM_080680.3(COL11A2):c.660_661del (p.Ser220_Cys221insTer)

Gene: COL11A2 (collagen type XI alpha 2 chain; minus strand). Cytogenetic location: 6p21.32.
Variant type: Deletion.
Coding change: c.660_661del on transcript NM_080680.3 (MANE Select); coding-DNA positions 660 to 661, 2 bases deleted (AT; older notation c.660_661delAT).
Protein change: p.Ser220_Cys221insTer.
Molecular consequence: frameshift variant. On other transcripts: 5 prime UTR variant (3), non-coding transcript variant (1).
Genome position (GRCh38, 1-based): chr6:33,186,764-33,186,765, AT deleted on the plus strand (AT on the coding strand, the reverse complement: COL11A2 is on the minus strand). VCF-style (leftmost placement, unchanged base first): chr6-33186763-CAT-C. GRCh37 (hg19) VCF-style: chr6-33154540-CAT-C.
Other names: c.660_661del, p.Ser220_Cys221insTer (NM_001163771.2, NM_001424108.1, NM_080679.3 and 1 more transcripts); c.-187_-186del (NM_001424109.1, NM_001424110.1, NM_001424111.1).
Identifiers: ClinVar variation 2783173 (VCV002783173.3), dbSNP rs2535505828, ClinGen allele CA2739272926.
Genomic context (GRCh38, chr6:33,186,763, plus strand): 5'-GGCTGTTGGTTTTGGGGTCTTTCCCTCTGGCCCCCCTCGCATTCCAGCTCCTTCTGTTCA[CAT>C]GATTCATAGGCTGCCTGGACCCCTGGGACAATGGCCAGCTCCTGGACATCACCCTGCAAA-3'

ClinVar aggregate classification (germline): Pathogenic (1 of 4 stars; one submission).

Submission:

Labcorp Genetics (formerly Invitae), Labcorp
Classification: Pathogenic. Last evaluated: 2023-05-23. Review status: criteria provided, single submitter. Criteria: Invitae Variant Classification Sherloc (09022015). Collection method: clinical testing. Allele origin: germline.
Comment: This variant is not present in population databases (gnomAD no frequency). For these reasons, this variant has been classified as Pathogenic. This variant has not been reported in the literature in individuals affected with COL11A2-related conditions. This sequence change creates a premature translational stop signal (p.Cys221*) in the COL11A2 gene. It is expected to result in an absent or disrupted protein product. Loss-of-function variants in COL11A2 are known to be pathogenic (PMID: 10677296, 21204229).

Literature cited by the submitters: PubMed 10677296; PubMed 21204229.